The following is an entry in ClinVar:

ClinVar aggregate classification (germline): Likely pathogenic. Review status: criteria provided, multiple submitters, no conflicts (2 of 4 stars). 2 submissions from 2 submitters: Likely pathogenic (2). Last evaluated 2023-06-29.

Conditions:
Hereditary cancer-predisposing syndrome. Also called: Neoplastic Syndromes, Hereditary; Tumor predisposition; Hereditary Cancer Syndrome; Hereditary neoplastic syndrome. Identifiers: Orphanet 140162, MedGen C0027672, MeSH D009386, MONDO:0015356.
Familial cancer of breast. Also called: BREAST CANCER, FAMILIAL; hereditary breast carcinoma; Hereditary breast cancer. Identifiers: Orphanet 227535, MedGen C0346153, MONDO:0016419, OMIM 114480. Disease mechanism: loss of function.

Submissions (2):

Myriad Genetics, Inc.
Classification: Likely pathogenic for Familial cancer of breast. Last evaluated: 2023-06-29. Review status: criteria provided, single submitter. Criteria: Myriad Autosomal Dominant, Autosomal Recessive and X-Linked Classification Criteria (2023). Collection method: clinical testing. Allele origin: unknown.
Comment: This variant is considered likely pathogenic. This variant creates a frameshift predicted to result in premature protein truncation. Functional studies indicate this variant impacts protein function [PMID: 12909615, 16798742].

Ambry Genetics
Classification: Likely pathogenic for Hereditary cancer-predisposing syndrome. Last evaluated: 2016-04-19. Review status: criteria provided, single submitter. Criteria: Ambry Variant Classification Scheme 2023. Collection method: clinical testing. Allele origin: germline.
Comment: The c.1558_1559insC variant, located in coding exon 14 of the CHEK2 gene, results from an insertion of one nucleotide at position 1558, causing a translational frameshift with a predicted alternate stop codon. The frameshift and the alternate stop codon occur at the 3' terminus of CHEK2, is not expected to trigger nonsense-mediated mRNA decay (NMD) and impacts only the last 24 amino acids of the protein. The alteration is predicted to disrupt the nuclear localization signal of the protein (Zannini L et al. J Biol Chem. 2003 Oct 24;278(43):42346-51). This variant was not reported in population based cohorts in the following databases: Database of Single Nucleotide Polymorphisms (dbSNP), NHLBI Exome Sequencing Project (ESP), and 1000 Genomes Project. In the ESP, this variant was not observed in 3649 samples (7298 alleles) with coverage at this position. To date, this alteration has been detected with an allele frequency of approximately 0.001% (greater than 130000 alleles tested) in our clinical cohort. Based on the majority of available evidence to date, this variant is likely to be pathogenic.

Literature cited by the submitters: PubMed 12909615 (cited by Myriad Genetics, Inc.); PubMed 16798742 (cited by Myriad Genetics, Inc.).

NM_007194.4(CHEK2):c.1558_1559insC (p.Lys520fs)

Gene: CHEK2 (checkpoint kinase 2; minus strand). Cytogenetic location: 22q12.1.
Variant type: Insertion.
Coding change: c.1558_1559insC on transcript NM_007194.4 (MANE Select); coding-DNA positions 1558 to 1559, C inserted.
Protein change: p.Lys520fs; shifts the reading frame from lysine 520.
Molecular consequence: frameshift variant.
Genome position: GRCh38 VCF-style: chr22-28687970-T-TG. GRCh37 (hg19) VCF-style: chr22-29083958-T-TG.
Other names: c.1687_1688insC, p.Lys563Thrfs (NM_001005735.3); c.895_896insC, p.Lys299Thrfs (NM_001257387.3); c.1357_1358insC, p.Lys453Thrfs (NM_001349956.3); c.1471_1472insC, p.Lys491Thrfs (NM_145862.3); short protein forms K491fs, K520fs, K563fs, K299fs, K453fs.
Identifiers: ClinVar variation 230579 (VCV000230579.7), dbSNP rs876658646, ClinGen allele CA10581023.